The following is an entry in ClinVar:

ClinVar aggregate classification (germline): Uncertain significance (1 of 4 stars; one submission).

Conditions:
Lethal multiple pterygium syndrome (LMPS). Identifiers: Orphanet 33108, MedGen C1854678, MONDO:0009668, OMIM 253290.

Submission:

Labcorp Genetics (formerly Invitae), Labcorp
Classification: Uncertain significance for Lethal multiple pterygium syndrome. Last evaluated: 2025-07-25. Review status: criteria provided, single submitter. Criteria: Invitae Variant Classification Sherloc (09022015). Collection method: clinical testing. Allele origin: germline.
Comment: This sequence change replaces isoleucine, which is neutral and non-polar, with threonine, which is neutral and polar, at codon 125 of the CHRND protein (p.Ile125Thr). This variant is not present in population databases (gnomAD no frequency). This variant has not been reported in the literature in individuals affected with CHRND-related conditions. Invitae Evidence Modeling of protein sequence and biophysical properties (such as structural, functional, and spatial information, amino acid conservation, physicochemical variation, residue mobility, and thermodynamic stability) has been performed for this missense variant. However, the output from this modeling did not meet the statistical confidence thresholds required to predict the impact of this variant on CHRND protein function. In summary, the available evidence is currently insufficient to determine the role of this variant in disease. Therefore, it has been classified as a Variant of Uncertain Significance.

NM_000751.3(CHRND):c.374T>C (p.Ile125Thr)

Gene: CHRND (cholinergic receptor nicotinic delta subunit; plus strand). Cytogenetic location: 2q37.1.
Variant type: single nucleotide variant.
Coding change: c.374T>C on transcript NM_000751.3 (MANE Select); coding-DNA position 374, T replaced by C.
Protein change: p.Ile125Thr; replaces isoleucine 125 with threonine.
Molecular consequence: missense variant.
Genome position (GRCh38, 1-based): chr2:232,528,521, T>C. VCF-style: chr2-232528521-T-C. GRCh37 (hg19) VCF-style: chr2-233393231-T-C.
Other names: c.329T>C, p.Ile110Thr (NM_001256657.2); c.103T>C, p.Ser35Pro (NM_001311195.2); c.71T>C, p.Ile24Thr (NM_001311196.2); short protein forms I125T, I24T, I110T, S35P.
Identifiers: ClinVar variation 4747506 (VCV004747506.1).